The following is an entry in ClinVar:

NM_001374736.1(DST):c.20240T>C (p.Phe6747Ser)

Gene: DST (dystonin; minus strand). Cytogenetic location: 6p12.1.
Variant type: single nucleotide variant.
Coding change: c.20240T>C on transcript NM_001374736.1 (MANE Select); coding-DNA position 20240, T replaced by C.
Protein change: p.Phe6747Ser; replaces phenylalanine 6747 with serine.
Molecular consequence: missense variant.
Genome position (GRCh38, 1-based): chr6:56,494,164, A>G on the plus strand (T>C on the coding strand, the complement: DST is on the minus strand). VCF-style: chr6-56494164-A-G. GRCh37 (hg19) VCF-style: chr6-56358962-A-G.
Other names: c.13883T>C, p.Phe4628Ser (NM_001144769.5); c.13469T>C, p.Phe4490Ser (NM_001144770.2); c.20240T>C, p.Phe6747Ser (NM_001374722.1); c.19280T>C, p.Phe6427Ser (NM_001374729.1); c.13022T>C, p.Phe4341Ser (NM_001374730.1); c.20267T>C, p.Phe6756Ser (NM_001374734.1); c.13349T>C, p.Phe4450Ser (NM_001386100.1, NM_183380.4); c.12371T>C, p.Phe4124Ser (NM_015548.5); short protein forms F4124S, F4450S, F4628S, F4490S, F6427S, F4341S, F6747S, F6756S.
Identifiers: ClinVar variation 449277 (VCV000449277.3), dbSNP rs1554250151, ClinGen allele CA364517884.

ClinVar aggregate classification (germline): Uncertain significance (1 of 4 stars; one submission).

Allele frequency attached by ClinVar (database versions not stated): gnomAD exomes below 0.00001.
gnomAD v4.1: 2 of 1,603,256 alleles (0.00012%); highest among the groups gnomAD compares: Middle Eastern, 0.017%; no homozygotes.

Submission:

GeneDx
Classification: Uncertain significance. Last evaluated: 2017-10-10. Review status: criteria provided, single submitter. Criteria: GeneDx Variant Classification (06012015). Collection method: clinical testing. Allele origin: germline. Affected: yes.
Comment: The F4124S variant in the DST gene has not been reported previously as a pathogenic variant, nor as a benign variant, to our knowledge. This variant, present in an alternate transcript, was not observed in approximately 5900 individuals of European and African American ancestry in the NHLBI Exome Sequencing Project, indicating it is not a common benign variant in these populations. The F4124S variant is a non-conservative amino acid substitution, which occurs at a position where amino acids with similar properties to Phenylalanine are tolerated across species. In silico analysis predicts this variant is probably damaging to the protein structure/function. We interpret F4124S as a variant of uncertain significance.